The following is an entry in ClinVar:

NM_006514.4(SCN10A):c.5635G>C (p.Val1879Leu)

Gene: SCN10A (sodium voltage-gated channel alpha subunit 10; minus strand). Cytogenetic location: 3p22.2.
Variant type: single nucleotide variant.
Coding change: c.5635G>C on transcript NM_006514.4 (MANE Select); coding-DNA position 5635, G replaced by C.
Protein change: p.Val1879Leu; replaces valine 1879 with leucine.
Molecular consequence: missense variant.
Genome position (GRCh38, 1-based): chr3:38,697,585, C>G on the plus strand (G>C on the coding strand, the complement: SCN10A is on the minus strand). VCF-style: chr3-38697585-C-G. GRCh37 (hg19) VCF-style: chr3-38739076-C-G.
Other names: c.5632G>C, p.Val1878Leu (NM_001293306.2); c.5341G>C, p.Val1781Leu (NM_001293307.2); short protein forms V1781L, V1878L, V1879L.
Identifiers: ClinVar variation 1191259 (VCV001191259.4), dbSNP rs1245874787, ClinGen allele CA352152674.

ClinVar aggregate classification (germline): Uncertain significance. Review status: criteria provided, multiple submitters, no conflicts (2 of 4 stars). 2 submissions from 2 submitters: Uncertain significance (2). Last evaluated 2025-07-09.

Conditions:
Cardiovascular phenotype. Identifiers: MedGen CN230736.

Allele frequency attached by ClinVar (database versions not stated): gnomAD exomes 0.00001; TOPMed 0.00002; gnomAD 0.00003.
gnomAD v4.1: 8 of 1,614,056 alleles (0.0005%); highest among the groups gnomAD compares: African/African-American, 0.0027%; no homozygotes.

Submissions (2):

Ambry Genetics
Classification: Uncertain significance for Cardiovascular phenotype. Last evaluated: 2025-07-09. Review status: criteria provided, single submitter. Criteria: Ambry Variant Classification Scheme 2023. Collection method: clinical testing. Allele origin: germline.
Comment: The p.V1879L variant (also known as c.5635G>C), located in coding exon 27 of the SCN10A gene, results from a G to C substitution at nucleotide position 5635. The valine at codon 1879 is replaced by leucine, an amino acid with highly similar properties. This amino acid position is conserved. In addition, this alteration is predicted to be tolerated by in silico analysis. Based on the available evidence, the clinical significance of this variant remains unclear.

GeneDx
Classification: Uncertain significance. Last evaluated: 2019-02-22. Review status: criteria provided, single submitter. Criteria: GeneDx Variant Classification Process June 2021. Collection method: clinical testing. Allele origin: germline. Affected: yes.
Comment: Has not been previously reported as pathogenic or benign to our knowledge; Not observed at a significant frequency in large population cohorts (Lek et al., 2016); In silico analysis, which includes protein predictors and evolutionary conservation, supports that this variant does not alter protein structure/function